The following is an entry in ClinVar:

ClinVar aggregate classification (germline): Uncertain significance (1 of 4 stars; one submission).

Conditions:
Hereditary cancer-predisposing syndrome. Also called: Tumor predisposition; Neoplastic Syndromes, Hereditary; Hereditary Cancer Syndrome; Hereditary neoplastic syndrome. Identifiers: Orphanet 140162, MedGen C0027672, MeSH D009386, MONDO:0015356.

gnomAD v4.1: 1 of 1,558,432 alleles (0.000064%); highest among the groups gnomAD compares: South Asian, 0.0012%; no homozygotes.

Submission:

Ambry Genetics
Classification: Uncertain significance for Hereditary cancer-predisposing syndrome. Last evaluated: 2024-09-26. Review status: criteria provided, single submitter. Criteria: Ambry Variant Classification Scheme 2023. Collection method: clinical testing. Allele origin: germline.
Comment: The c.681A>G variant (also known as p.G227G), located in coding exon 4 of the CHEK2 gene, results from an A to G substitution at nucleotide position 681. This nucleotide substitution does not change the glycine at codon 227. This nucleotide position is well conserved in available vertebrate species. In silico splice site analysis for this alteration is inconclusive. RNA studies have demonstrated that this alteration results in an incomplete splice defect ; the clinical impact of this abnormal splicing is unknown at this time (Ambry internal data). Based on the available evidence, the clinical significance of this variant remains unclear.

NM_007194.4(CHEK2):c.681A>G (p.Gly227=)

Gene: CHEK2 (checkpoint kinase 2; minus strand). Cytogenetic location: 22q12.1.
Variant type: single nucleotide variant.
Coding change: c.681A>G on transcript NM_007194.4 (MANE Select); coding-DNA position 681, A replaced by G.
Protein change: p.Gly227=; no amino-acid change (glycine 227 retained).
Molecular consequence: synonymous variant. On other transcripts: intron variant (1).
Genome position (GRCh38, 1-based): chr22:28,719,397, T>C on the plus strand (A>G on the coding strand, the complement: CHEK2 is on the minus strand). VCF-style: chr22-28719397-T-C. GRCh37 (hg19) VCF-style: chr22-29115385-T-C.
Other names: c.810A>G, p.Gly270= (NM_001005735.3, NM_001438294.1); c.18A>G, p.Gly6= (NM_001257387.3, NM_001437942.1); c.774A>G, p.Gly258= (NM_001438293.1, NM_001438295.1); c.681A>G, p.Gly227= (NM_145862.3); c.482+5489A>G (NM_001349956.3).
Identifiers: ClinVar variation 3492181 (VCV003492181.1).